The following is an entry in ClinVar:

NM_001042517.2(DIAPH3):c.2354A>G (p.Gln785Arg)

Gene: DIAPH3 (diaphanous related formin 3; minus strand). Cytogenetic location: 13q21.2.
Variant type: single nucleotide variant.
Coding change: c.2354A>G on transcript NM_001042517.2 (MANE Select); coding-DNA position 2354, A replaced by G.
Protein change: p.Gln785Arg; replaces glutamine 785 with arginine.
Molecular consequence: missense variant.
Genome position (GRCh38, 1-based): chr13:59,911,748, T>C on the plus strand (A>G on the coding strand, the complement: DIAPH3 is on the minus strand). VCF-style: chr13-59911748-T-C. GRCh37 (hg19) VCF-style: chr13-60485882-T-C.
Other names: c.2321A>G, p.Gln774Arg (NM_001258366.2); c.2216A>G, p.Gln739Arg (NM_001258367.2); c.2144A>G, p.Gln715Arg (NM_001258368.2); c.2354A>G, p.Gln785Arg (NM_001258369.2); c.1565A>G, p.Gln522Arg (NM_001258370.2, NM_030932.4); short protein forms Q715R, Q739R, Q522R, Q785R, Q774R.
Identifiers: ClinVar variation 681157 (VCV000681157.13), dbSNP rs199786163, ClinGen allele CA6996408.

ClinVar aggregate classification (germline): Likely benign. Review status: criteria provided, multiple submitters, no conflicts (2 of 4 stars). 4 submissions from 4 submitters: Likely benign (3). 1 of the submissions does not count toward it. Last evaluated 2025-07-30.

Conditions:
DIAPH3-related disorder. Also called: DIAPH3-related condition.

Allele frequency attached by ClinVar (database versions not stated): gnomAD 0.00024 and 0.00025; gnomAD exomes 0.00024 and 0.00048; 1000 Genomes Project 30x 0.00031; TOPMed 0.00031; ESP Exome Variant Server 0.00033; 1000 Genomes Project 0.00040; ExAC 0.00041.
gnomAD v4.1: 422 of 1,613,512 alleles (0.026%); highest among the groups gnomAD compares: Middle Eastern, 0.3%; 2 homozygotes.

Submissions (4):

Labcorp Genetics (formerly Invitae), Labcorp
Classification: Likely benign. Last evaluated: 2025-07-30. Review status: criteria provided, single submitter. Criteria: Invitae Variant Classification Sherloc (09022015). Collection method: clinical testing. Allele origin: germline.

Blueprint Genetics
Classification: Likely benign. Last evaluated: 2024-11-04. Review status: criteria provided, single submitter. Criteria: ACMG Guidelines, 2015. Collection method: clinical testing. Allele origin: germline.

GeneDx
Classification: Likely benign. Last evaluated: 2019-07-15. Review status: criteria provided, single submitter. Criteria: GeneDx Variant Classification Process June 2021. Collection method: clinical testing. Allele origin: germline. Affected: yes.

PreventionGenetics, part of Exact Sciences
Classification: Benign for DIAPH3-related condition. Last evaluated: 2024-04-30. Review status: no assertion criteria provided. Collection method: clinical testing. Allele origin: germline. Not counted in ClinVar's aggregate classification.
Comment: This variant is classified as benign based on ACMG/AMP sequence variant interpretation guidelines (Richards et al. 2015 PMID: 25741868, with internal and published modifications).